The following is an entry in ClinVar:

ClinVar aggregate classification (germline): Uncertain significance. Review status: criteria provided, multiple submitters, no conflicts (2 of 4 stars). 2 submissions from 2 submitters: Uncertain significance (2). Last evaluated 2025-02-18.

Conditions:
VHL-related disorder. Also called: VHL-related condition.
Chuvash polycythemia. Also called: POLYCYTHEMIA, VHL-DEPENDENT. Identifiers: Orphanet 238557, MedGen C1837915, MONDO:0009892, OMIM 263400.
Von Hippel-Lindau syndrome (VHLS). Also called: Von Hippel-Lindau; von Hippel–Lindau syndrome; VHL syndrome. Identifiers: Orphanet 892, MedGen C0019562, MONDO:0008667, OMIM 193300. Disease mechanism: loss of function.

Allele frequency attached by ClinVar (database versions not stated): gnomAD 0.00001.
gnomAD v4.1: 1 of 152,526 alleles (0.00066%); highest among the groups gnomAD compares: East Asian, 0.019%; no homozygotes.

Submissions (2):

Labcorp Genetics (formerly Invitae), Labcorp
Classification: Uncertain significance for Von Hippel-Lindau syndrome; Chuvash polycythemia. Last evaluated: 2025-02-18. Review status: criteria provided, single submitter. Criteria: Invitae Variant Classification Sherloc (09022015). Collection method: clinical testing. Allele origin: germline.
Comment: This sequence change falls in intron 1 of the VHL gene. It is not expected to change the encoded amino acid sequence of the VHL protein. However, this sequence change falls within a cryptic exon in the VHL gene, known as exon E1’, which is naturally expressed at low levels in several human tissues (PMID: 29891534). This variant is not present in population databases (gnomAD no frequency). This variant has not been reported in the literature in individuals affected with VHL-related conditions. ClinVar contains an entry for this variant (Variation ID: 2630211). Algorithms developed to predict the effect of sequence changes on RNA splicing suggest that this variant is not likely to affect RNA splicing. In summary, the available evidence is currently insufficient to determine the role of this variant in disease. Therefore, it has been classified as a Variant of Uncertain Significance.

PreventionGenetics, part of Exact Sciences
Classification: Uncertain significance for VHL-related condition. Last evaluated: 2023-02-16. Review status: criteria provided, single submitter. Criteria: ACMG Guidelines, 2015. Collection method: clinical testing. Allele origin: germline.
Comment: The VHL c.532G>A variant is predicted to result in the amino acid substitution p.Val178Ile. To our knowledge, this variant has not been reported in the literature or in a large population database, indicating this variant is rare. At this time, the clinical significance of this variant is uncertain due to the absence of conclusive functional and genetic evidence.

Literature cited by the submitters: PubMed 29891534 (cited by Labcorp Genetics (formerly Invitae), Labcorp).

NM_000551.4(VHL):c.340+767G>A

Genes: VHL (von Hippel-Lindau tumor suppressor; plus strand), LOC107303340 (3p25 von Hippel-Lindau tumor suppressor, E3 ubiquitin protein ligase Alu-mediated recombination region; plus strand). Cytogenetic location: 3p25.3.
Variant type: single nucleotide variant.
Coding change: c.340+767G>A on transcript NM_000551.4 (MANE Select); 767 bases into the intron after coding-DNA position 340, G replaced by A.
Molecular consequence: intron variant. On other transcripts: missense variant (1), non-coding transcript variant (1).
Genome position (GRCh38, 1-based): chr3:10,142,954, G>A. VCF-style: chr3-10142954-G-A. GRCh37 (hg19) VCF-style: chr3-10184638-G-A.
Other names: c.340+767G>A (NM_198156.3); c.532G>A, p.Val178Ile (NM_001354723.2); short protein forms V178I.
Identifiers: ClinVar variation 2630211 (VCV002630211.2), dbSNP rs1696163478, ClinGen allele CA1345067507.
Genomic context (GRCh38, chr3:10,142,954, plus strand): 5'-GTGTGGCGTGGGAAATTGACTTACCTGCCTGCTGGGAGATGGAGGGGTTGCGGTTGTGTG[G>A]TTTCAGTTAAGGAGCACTTCCCGGAGAAGGAAGAGAGCAGGATGGAGTAGGAACTAGCCA-3'